The following is an entry in ClinVar:

NM_000051.4(ATM):c.3682G>A (p.Glu1228Lys)

Gene: ATM (ATM serine/threonine kinase; plus strand). Cytogenetic location: 11q22.3.
Variant type: single nucleotide variant.
Coding change: c.3682G>A on transcript NM_000051.4 (MANE Select); coding-DNA position 3682, G replaced by A.
Protein change: p.Glu1228Lys; replaces glutamic acid 1228 with lysine.
Molecular consequence: missense variant.
Genome position (GRCh38, 1-based): chr11:108,282,815, G>A. VCF-style: chr11-108282815-G-A. GRCh37 (hg19) VCF-style: chr11-108153542-G-A.
Other names: c.3682G>A (NM_000051.3); c.3682G>A, p.Glu1228Lys (NM_001351834.2); short protein forms E1228K.
Identifiers: ClinVar variation 1036147 (VCV001036147.7), dbSNP rs1334793787, ClinGen allele CA382523342.
Genomic context (GRCh38, chr11:108,282,815, plus strand): 5'-GACTTTATGGCATCTCATTTAGATTATCTGGTTTTGGAATGGCTAAATCTTCAAGATACT[G>A]AATACAACTTATCTTCTTTTCCTTTTATTTTATTAAACTACACAAATATTGAGGATTTCT-3'
Protein context (NP_000042.3, residues 1218-1238): VLEWLNLQDT[Glu1228Lys]YNLSSFPFIL

ClinVar aggregate classification (germline): Uncertain significance. Review status: criteria provided, multiple submitters, no conflicts (2 of 4 stars). 2 submissions from 2 submitters: Uncertain significance (2). Last evaluated 2023-06-11.

Conditions:
Hereditary cancer-predisposing syndrome. Also called: Neoplastic Syndromes, Hereditary; Hereditary Cancer Syndrome; Tumor predisposition; Hereditary neoplastic syndrome. Identifiers: Orphanet 140162, MedGen C0027672, MeSH D009386, MONDO:0015356.
Ataxia-telangiectasia syndrome (AT). Also called: Ataxia-telangiectasia, complementation group D; ATAXIA-TELANGIECTASIA, COMPLEMENTATION GROUP A; ATAXIA-TELANGIECTASIA, FRESNO VARIANT; Ataxia-telangiectasia; Ataxia-telangiectasia, complementation group E; LOUIS-BAR SYNDROME. Identifiers: Orphanet 100, MedGen C0004135, MONDO:0008840, OMIM 208900.

Allele frequency attached by ClinVar (database versions not stated): gnomAD exomes below 0.00001; TOPMed below 0.00001.
gnomAD v4.1: 1 of 1,555,958 alleles (0.000064%); highest among the groups gnomAD compares: Non-Finnish European, 0.000089%; no homozygotes.

Submissions (2):

Ambry Genetics
Classification: Uncertain significance for Hereditary cancer-predisposing syndrome. Last evaluated: 2023-06-11. Review status: criteria provided, single submitter. Criteria: Ambry Variant Classification Scheme 2023. Collection method: clinical testing. Allele origin: germline.
Comment: The p.E1228K variant (also known as c.3682G>A), located in coding exon 24 of the ATM gene, results from a G to A substitution at nucleotide position 3682. The glutamic acid at codon 1228 is replaced by lysine, an amino acid with similar properties. This amino acid position is conserved. In addition, this alteration is predicted to be tolerated by in silico analysis. Since supporting evidence is limited at this time, the clinical significance of this alteration remains unclear.

Labcorp Genetics (formerly Invitae), Labcorp
Classification: Uncertain significance for Ataxia-telangiectasia syndrome. Last evaluated: 2022-09-10. Review status: criteria provided, single submitter. Criteria: Invitae Variant Classification Sherloc (09022015). Collection method: clinical testing. Allele origin: germline.
Comment: In summary, the available evidence is currently insufficient to determine the role of this variant in disease. Therefore, it has been classified as a Variant of Uncertain Significance. Algorithms developed to predict the effect of missense changes on protein structure and function (SIFT, PolyPhen-2, Align-GVGD) all suggest that this variant is likely to be tolerated. ClinVar contains an entry for this variant (Variation ID: 1036147). This variant has not been reported in the literature in individuals affected with ATM-related conditions. This variant is not present in population databases (gnomAD no frequency). This sequence change replaces glutamic acid, which is acidic and polar, with lysine, which is basic and polar, at codon 1228 of the ATM protein (p.Glu1228Lys).